The following is an entry in ClinVar:

NM_001005361.3(DNM2):c.2246C>T (p.Pro749Leu)

Gene: DNM2 (dynamin 2; plus strand). Cytogenetic location: 19p13.2.
Variant type: single nucleotide variant.
Coding change: c.2246C>T on transcript NM_001005361.3 (MANE Select); coding-DNA position 2246, C replaced by T.
Protein change: p.Pro749Leu; replaces proline 749 with leucine.
Molecular consequence: missense variant.
Genome position (GRCh38, 1-based): chr19:10,829,223, C>T. VCF-style: chr19-10829223-C-T. GRCh37 (hg19) VCF-style: chr19-10939899-C-T.
Other names: c.2246C>T, p.Pro749Leu (NM_001005360.3, NM_001190716.2); c.2234C>T, p.Pro745Leu (NM_001005362.3, NM_004945.4); short protein forms P745L, P749L.
Identifiers: ClinVar variation 4802531 (VCV004802531.1).

ClinVar aggregate classification (germline): Uncertain significance (1 of 4 stars; one submission).

Conditions:
Charcot-Marie-Tooth disease dominant intermediate B (CMTDIB). Also called: CHARCOT-MARIE-TOOTH NEUROPATHY, DOMINANT INTERMEDIATE B; Charcot-Marie-Tooth disease dominant intermediate 1; CMT DI1; Charcot-Marie-Tooth disease dominant intermediate I. Identifiers: Orphanet 100044, Orphanet 228179, MedGen C1847902, MONDO:0011674, OMIM 606482.

Submission:

Labcorp Genetics (formerly Invitae), Labcorp
Classification: Uncertain significance for Charcot-Marie-Tooth disease dominant intermediate B. Last evaluated: 2025-05-21. Review status: criteria provided, single submitter. Criteria: Invitae Variant Classification Sherloc (09022015). Collection method: clinical testing. Allele origin: germline.
Comment: This sequence change replaces proline, which is neutral and non-polar, with leucine, which is neutral and non-polar, at codon 749 of the DNM2 protein (p.Pro749Leu). This variant is not present in population databases (gnomAD no frequency). This variant has not been reported in the literature in individuals affected with DNM2-related conditions. Invitae Evidence Modeling of protein sequence and biophysical properties (such as structural, functional, and spatial information, amino acid conservation, physicochemical variation, residue mobility, and thermodynamic stability) has been performed for this missense variant. However, the output from this modeling did not meet the statistical confidence thresholds required to predict the impact of this variant on DNM2 protein function. In summary, the available evidence is currently insufficient to determine the role of this variant in disease. Therefore, it has been classified as a Variant of Uncertain Significance.